The following is an entry in ClinVar:

NM_024757.5(EHMT1):c.578C>T (p.Ala193Val)

Gene: EHMT1 (euchromatic histone lysine methyltransferase 1; plus strand). Cytogenetic location: 9q34.3.
Variant type: single nucleotide variant.
Coding change: c.578C>T on transcript NM_024757.5 (MANE Select); coding-DNA position 578, C replaced by T.
Protein change: p.Ala193Val; replaces alanine 193 with valine.
Molecular consequence: missense variant.
Genome position (GRCh38, 1-based): chr9:137,717,118, C>T. VCF-style: chr9-137717118-C-T. GRCh37 (hg19) VCF-style: chr9-140611570-C-T.
Other names: c.578C>T, p.Ala193Val (NM_001145527.2, NM_001354263.2, NM_001354611.2); c.485C>T, p.Ala162Val (NM_001354259.2, NM_001354612.2); short protein forms A162V, A193V.
Identifiers: ClinVar variation 1343053 (VCV001343053.3), dbSNP rs755550350, ClinGen allele CA5374349.

ClinVar aggregate classification (germline): Likely benign (1 of 4 stars; one submission).

Allele frequency attached by ClinVar (database versions not stated): gnomAD 0.00001 and 0.00002; ExAC 0.00002; gnomAD exomes 0.00002 and 0.00003; TOPMed 0.00003.
gnomAD v4.1: 39 of 1,612,358 alleles (0.0024%); highest among the groups gnomAD compares: Non-Finnish European, 0.0032%; 1 homozygote.

Submission:

GeneDx
Classification: Likely benign. Last evaluated: 2023-06-05. Review status: criteria provided, single submitter. Criteria: GeneDx Variant Classification Process June 2021. Collection method: clinical testing. Allele origin: germline. Affected: yes.
Comment: See Variant Classification Assertion Criteria.